The following is an entry in ClinVar:

NM_006361.6(HOXB13):c.73C>T (p.Arg25Trp)

Gene: HOXB13 (homeobox B13; minus strand). Cytogenetic location: 17q21.32.
Variant type: single nucleotide variant.
Coding change: c.73C>T on transcript NM_006361.6 (MANE Select); coding-DNA position 73, C replaced by T.
Protein change: p.Arg25Trp; replaces arginine 25 with tryptophan.
Molecular consequence: missense variant.
Genome position (GRCh38, 1-based): chr17:48,728,521, G>A on the plus strand (C>T on the coding strand, the complement: HOXB13 is on the minus strand). VCF-style: chr17-48728521-G-A. GRCh37 (hg19) VCF-style: chr17-46805883-G-A.
Other names: short protein forms R25W.
Identifiers: ClinVar variation 690958 (VCV000690958.10), dbSNP rs1597935204, ClinGen allele CA400109594.

ClinVar aggregate classification (germline): Uncertain significance. Review status: criteria provided, multiple submitters, no conflicts (2 of 4 stars). 3 submissions from 3 submitters: Uncertain significance (2). 1 of the submissions does not count toward it. Last evaluated 2024-06-05.

Conditions:
Prostate cancer, hereditary, 1 (HPC1). Identifiers: Orphanet 1331, MedGen C4722327, MONDO:0011098, OMIM 601518.
Hereditary cancer-predisposing syndrome. Also called: Neoplastic Syndromes, Hereditary; Tumor predisposition; Hereditary neoplastic syndrome; Hereditary Cancer Syndrome. Identifiers: Orphanet 140162, MedGen C0027672, MeSH D009386, MONDO:0015356.

Submissions (3):

Ambry Genetics
Classification: Uncertain significance for Hereditary cancer-predisposing syndrome. Last evaluated: 2024-06-05. Review status: criteria provided, single submitter. Criteria: Ambry Variant Classification Scheme 2023. Collection method: clinical testing. Allele origin: germline.
Comment: The p.R25W variant (also known as c.73C>T), located in coding exon 1 of the HOXB13 gene, results from a C to T substitution at nucleotide position 73. The arginine at codon 25 is replaced by tryptophan, an amino acid with dissimilar properties. This amino acid position is conserved. In addition, this alteration is predicted to be deleterious by in silico analysis. Based on the available evidence, the clinical significance of this variant remains unclear.

Labcorp Genetics (formerly Invitae), Labcorp
Classification: Uncertain significance. Last evaluated: 2023-05-19. Review status: criteria provided, single submitter. Criteria: Invitae Variant Classification Sherloc (09022015). Collection method: clinical testing. Allele origin: germline.
Comment: An algorithm developed to predict the effect of missense changes on protein structure and function (PolyPhen-2) suggests that this variant is likely to be disruptive. In summary, the available evidence is currently insufficient to determine the role of this variant in disease. Therefore, it has been classified as a Variant of Uncertain Significance. This sequence change replaces arginine, which is basic and polar, with tryptophan, which is neutral and slightly polar, at codon 25 of the HOXB13 protein (p.Arg25Trp). This variant is not present in population databases (gnomAD no frequency). This variant has not been reported in the literature in individuals affected with HOXB13-related conditions. ClinVar contains an entry for this variant (Variation ID: 690958).

Laboratory of Virology, Microbiology,  Quality and Medical Biotechnologies, Faculty of Sciences and Techniques - Mohammedia, Hassan II University of Casablanca
Classification: Uncertain significance for Prostate cancer, hereditary, 1. Review status: no assertion criteria provided. Collection method: clinical testing. Allele origin: somatic. Affected: yes. Not counted in ClinVar's aggregate classification.